The following is an entry in ClinVar:

NM_016553.5(NUP62):c.838A>C (p.Thr280Pro)

Genes: IL4I1 (interleukin 4 induced 1; minus strand), NUP62 (nucleoporin 62; minus strand). Cytogenetic location: 19q13.33.
Variant type: single nucleotide variant.
Coding change: c.838A>C on transcript NM_016553.5 (MANE Select); coding-DNA position 838, A replaced by C.
Protein change: p.Thr280Pro; replaces threonine 280 with proline.
Molecular consequence: missense variant. On other transcripts: intron variant (3).
Genome position (GRCh38, 1-based): chr19:49,908,970, T>G on the plus strand (A>C on the coding strand, the complement: NUP62 is on the minus strand). VCF-style: chr19-49908970-T-G. GRCh37 (hg19) VCF-style: chr19-50412227-T-G.
Other names: c.838A>C, p.Thr280Pro (NM_001193357.2, NM_012346.5, NM_153718.4 and 1 more transcripts); c.-227-4649A>C (NM_001258017.2, NM_172374.3); c.-285-4649A>C (NM_001258018.2); short protein forms T280P.
Identifiers: ClinVar variation 2050471 (VCV002050471.4), dbSNP rs778299454, ClinGen allele CA9589024.
Genomic context (GRCh38, chr19:49,908,970, plus strand): 5'-CTGGCGCCAGTGGTTTTAAATTCAAGGCAAAGCCGGTGGTGCTGCTGCTGCTGGTGGTGG[T>G]GGCGGTGGCGGTGGCAGCGGTGGATGTTGTTGTGGAGGTGCCGGAAGCTGCTCCAGGTGC-3'
Protein context (NP_057637.2, residues 270-290): TTSTAATATA[Thr280Pro]TTSSSSTTGF

ClinVar aggregate classification (germline): Uncertain significance. Review status: criteria provided, multiple submitters, no conflicts (2 of 4 stars). 2 submissions from 2 submitters: Uncertain significance (2). Last evaluated 2025-12-06.

Allele frequency attached by ClinVar (database versions not stated): ExAC 0.00001.
gnomAD v4.1: 24 of 1,608,118 alleles (0.0015%); highest among the groups gnomAD compares: Admixed American, 0.03%; no homozygotes.

Submissions (2):

Labcorp Genetics (formerly Invitae), Labcorp
Classification: Uncertain significance. Last evaluated: 2025-12-06. Review status: criteria provided, single submitter. Criteria: Invitae Variant Classification Sherloc (09022015). Collection method: clinical testing. Allele origin: germline.
Comment: This sequence change replaces threonine, which is neutral and polar, with proline, which is neutral and non-polar, at codon 280 of the NUP62 protein (p.Thr280Pro). This variant is present in population databases (rs778299454, gnomAD 0.009%). This variant has not been reported in the literature in individuals affected with NUP62-related conditions. ClinVar contains an entry for this variant (Variation ID: 2050471). An algorithm developed to predict the effect of missense changes on protein structure and function (PolyPhen-2) suggests that this variant is likely to be tolerated. In summary, the available evidence is currently insufficient to determine the role of this variant in disease. Therefore, it has been classified as a Variant of Uncertain Significance.

Ambry Genetics
Classification: Uncertain significance. Last evaluated: 2025-11-20. Review status: criteria provided, single submitter. Criteria: Ambry Variant Classification Scheme 2023. Collection method: clinical testing. Allele origin: germline.